The following is an entry in ClinVar:

NM_176824.3(BBS7):c.655A>G (p.Ile219Val)

Gene: BBS7 (Bardet-Biedl syndrome 7; minus strand). Cytogenetic location: 4q27.
Variant type: single nucleotide variant.
Coding change: c.655A>G on transcript NM_176824.3 (MANE Select); coding-DNA position 655, A replaced by G.
Protein change: p.Ile219Val; replaces isoleucine 219 with valine.
Molecular consequence: missense variant.
Genome position (GRCh38, 1-based): chr4:121,854,767, T>C on the plus strand (A>G on the coding strand, the complement: BBS7 is on the minus strand). VCF-style: chr4-121854767-T-C. GRCh37 (hg19) VCF-style: chr4-122775922-T-C.
Other names: c.655A>G, p.Ile219Val (NM_018190.4); short protein forms I219V.
Identifiers: ClinVar variation 1417305 (VCV001417305.6), dbSNP rs2149079121, ClinGen allele CA358065971.
Genomic context (GRCh38, chr4:121,854,767, plus strand): 5'-CTCTCTTTTTCTCATTTTGAATTTCCCACTTGCGTACTGGTTTGGATGTAGTAATCTGTA[T>C]AAGCGCAAGTTTTCCGTCTGATGTCCCAAACAAAAGGTCTTCTCCAGAGTCACCTACTTA-3'
Protein context (NP_789794.1, residues 209-229): FGTSDGKLAL[Ile219Val]QITTSKPVRK

ClinVar aggregate classification (germline): Uncertain significance (1 of 4 stars; one submission).

Conditions:
Bardet-Biedl syndrome (BBS). Identifiers: Orphanet 110, MedGen C0752166, MONDO:0015229.

Submission:

Labcorp Genetics (formerly Invitae), Labcorp
Classification: Uncertain significance for Bardet-Biedl syndrome. Last evaluated: 2021-09-06. Review status: criteria provided, single submitter. Criteria: Invitae Variant Classification Sherloc (09022015). Collection method: clinical testing. Allele origin: germline.
Comment: This sequence change replaces isoleucine with valine at codon 219 of the BBS7 protein (p.Ile219Val). The isoleucine residue is highly conserved and there is a small physicochemical difference between isoleucine and valine. In summary, the available evidence is currently insufficient to determine the role of this variant in disease. Therefore, it has been classified as a Variant of Uncertain Significance. Algorithms developed to predict the effect of missense changes on protein structure and function output the following: SIFT: "Tolerated"; PolyPhen-2: "Benign"; Align-GVGD: "Class C0". The valine amino acid residue is found in multiple mammalian species, which suggests that this missense change does not adversely affect protein function. This variant has not been reported in the literature in individuals affected with BBS7-related conditions. This variant is not present in population databases (ExAC no frequency).